The following is an entry in ClinVar:

ClinVar aggregate classification (germline): Likely pathogenic. Review status: criteria provided, multiple submitters, no conflicts (2 of 4 stars). 2 submissions from 2 submitters: Likely pathogenic (2). Last evaluated 2024-12-04.

Conditions:
Hereditary spherocytosis type 2. Also called: SPHEROCYTOSIS, TYPE 2, AUTOSOMAL DOMINANT. Identifiers: Orphanet 822, MedGen C2674219, MONDO:0000913, OMIM 616649.
Elliptocytosis 3 (EL3). Identifiers: MedGen C1866810, MONDO:0054780, OMIM 617948.

Submissions (2):

Revvity Omics, Revvity
Classification: Likely pathogenic. Last evaluated: 2024-12-04. Review status: criteria provided, single submitter. Criteria: ACMG Guidelines, 2015. Collection method: clinical testing. Allele origin: germline.

Juno Genomics, Hangzhou Juno Genomics, Inc
Classification: Likely pathogenic for Elliptocytosis 3; Hereditary spherocytosis type 2. Review status: criteria provided, single submitter. Criteria: ACMG Guidelines, 2015. Collection method: clinical testing. Allele origin: germline. Affected: yes.
Comment: Null variant in a gene where loss of function (LOF) is a known mechanism of disease.;Absent from controls (or at extremely low frequency if recessive) in Genome Aggregation Database, Exome Sequencing Project, 1000 Genomes Project, or Exome Aggregation Consortium.

NM_001355436.2(SPTB):c.3352C>T (p.Gln1118Ter)

Gene: SPTB (spectrin beta, erythrocytic; minus strand). Cytogenetic location: 14q23.3.
Variant type: single nucleotide variant.
Coding change: c.3352C>T on transcript NM_001355436.2 (MANE Select); coding-DNA position 3352, C replaced by T.
Protein change: p.Gln1118Ter; replaces glutamine 1118 with a stop codon.
Molecular consequence: nonsense.
Genome position (GRCh38, 1-based): chr14:64,786,613, G>A on the plus strand (C>T on the coding strand, the complement: SPTB is on the minus strand). VCF-style: chr14-64786613-G-A. GRCh37 (hg19) VCF-style: chr14-65253331-G-A.
Other names: c.3352C>T, p.Gln1118Ter (NM_001024858.4, NM_001355437.2); short protein forms Q1118*.
Identifiers: ClinVar variation 3383058 (VCV003383058.3).